The following is an entry in ClinVar:

ClinVar aggregate classification (germline): Likely benign (0 of 4 stars; one submission).

Conditions:
NPHP1-related disorder. Also called: NPHP1-related disorders; NPHP1-related condition.

Submission:

PreventionGenetics, part of Exact Sciences
Classification: Likely benign for NPHP1-related condition. Last evaluated: 2024-07-19. Review status: no assertion criteria provided. Collection method: clinical testing. Allele origin: germline.
Comment: This variant is classified as likely benign based on ACMG/AMP sequence variant interpretation guidelines (Richards et al. 2015 PMID: 25741868, with internal and published modifications).

NM_001128178.3(NPHP1):c.-4G>A

Gene: NPHP1 (nephrocystin 1; minus strand). Cytogenetic location: 2q13.
Variant type: single nucleotide variant.
Coding change: c.-4G>A on transcript NM_001128178.3 (MANE Select); 4 bases upstream of the start codon, G replaced by A.
Molecular consequence: 5 prime UTR variant.
Genome position (GRCh38, 1-based): chr2:110,204,972, C>T on the plus strand (G>A on the coding strand, the complement: NPHP1 is on the minus strand). VCF-style: chr2-110204972-C-T. GRCh37 (hg19) VCF-style: chr2-110962549-C-T.
Other names: c.-4G>A (NM_000272.5, NM_001128179.3, NM_001374256.1 and 2 more transcripts).
Identifiers: ClinVar variation 3347281 (VCV003347281.1).